The following is an entry in ClinVar:

ClinVar aggregate classification (germline): Benign (1 of 4 stars; one submission).

Allele frequency attached by ClinVar (database versions not stated): 1000 Genomes Project 30x 0.98954; 1000 Genomes Project 0.99042; TOPMed 0.99159; gnomAD 0.99186 and 0.99239.
gnomAD v4.1: 150,814 of 151,964 alleles (99%); highest among the groups gnomAD compares: Middle Eastern, 100%; 74,840 homozygotes.

Submission:

GeneDx
Classification: Benign. Last evaluated: 2018-06-19. Review status: criteria provided, single submitter. Criteria: GeneDx Variant Classification (06012015). Collection method: clinical testing. Allele origin: germline. Affected: yes.
Comment: This variant is considered likely benign or benign based on one or more of the following criteria: it is a conservative change, it occurs at a poorly conserved position in the protein, it is predicted to be benign by multiple in silico algorithms, and/or has population frequency not consistent with disease.

NM_024753.5(TTC21B):c.2323-288A>G

Gene: TTC21B (tetratricopeptide repeat domain 21B; minus strand). Cytogenetic location: 2q24.3.
Variant type: single nucleotide variant.
Coding change: c.2323-288A>G on transcript NM_024753.5 (MANE Select); 288 bases into the intron before coding-DNA position 2323, A replaced by G.
Molecular consequence: intron variant.
Genome position (GRCh38, 1-based): chr2:165,911,753, T>C on the plus strand (A>G on the coding strand, the complement: TTC21B is on the minus strand). VCF-style: chr2-165911753-T-C. GRCh37 (hg19) VCF-style: chr2-166768263-T-C.
Identifiers: ClinVar variation 667577 (VCV000667577.1), dbSNP rs7557256, ClinGen allele CA59796108.